The following is an entry in ClinVar:

NM_152594.3(SPRED1):c.1283G>A (p.Arg428His)

Gene: SPRED1 (sprouty related EVH1 domain containing 1; plus strand). Cytogenetic location: 15q14.
Variant type: single nucleotide variant.
Coding change: c.1283G>A on transcript NM_152594.3 (MANE Select); coding-DNA position 1283, G replaced by A.
Protein change: p.Arg428His; replaces arginine 428 with histidine.
Molecular consequence: missense variant.
Genome position (GRCh38, 1-based): chr15:38,351,612, G>A. VCF-style: chr15-38351612-G-A. GRCh37 (hg19) VCF-style: chr15-38643813-G-A.
Other names: short protein forms R428H.
Identifiers: ClinVar variation 569525 (VCV000569525.21), dbSNP rs369492789, ClinGen allele CA7470257.

ClinVar aggregate classification (germline): Conflicting classifications of pathogenicity. Review status: criteria provided, conflicting classifications (1 of 4 stars). 5 submissions from 5 submitters: Uncertain significance (4); Likely benign (1). Last evaluated 2026-10-05.

Conditions:
Cardiovascular phenotype. Identifiers: MedGen CN230736.
Legius syndrome. Identifiers: Orphanet 137605, MedGen C1969623, MONDO:0012669, OMIM 611431. Disease mechanism: loss of function.

Allele frequency attached by ClinVar (database versions not stated): ExAC 0.00003; gnomAD exomes 0.00003 and 0.00005; TOPMed 0.00005; gnomAD 0.00006; ESP Exome Variant Server 0.00008.
gnomAD v4.1: 83 of 1,613,906 alleles (0.0051%); highest among the groups gnomAD compares: Non-Finnish European, 0.0062%; no homozygotes.

Submissions (5):

GeneDx
Classification: Uncertain significance. Last evaluated: 2026-10-05. Review status: criteria provided, single submitter. Criteria: GeneDx Variant Classification Process June 2021. Collection method: clinical testing. Allele origin: germline.
Comment: In silico analysis suggests that this missense variant does not alter protein structure/function; Has not been previously published as pathogenic or benign to our knowledge

Women's Health and Genetics/Laboratory Corporation of America, LabCorp
Classification: Uncertain significance. Last evaluated: 2026-01-19. Review status: criteria provided, single submitter. Criteria: LabCorp Variant Classification Summary - May 2015. Collection method: clinical testing. Allele origin: germline.
Comment: Variant summary: SPRED1 c.1283G>A (p.Arg428His) results in a non-conservative amino acid change in the encoded protein sequence. Algorithms developed to predict the effect of missense changes on protein structure and function are either unavailable or do not agree on the potential impact of this missense change. The variant allele was found at a frequency of 3.2e-05 in 251142 control chromosomes. The available data on variant occurrences in the general population are insufficient to allow any conclusion about variant significance. To our knowledge, no occurrence of c.1283G>A in individuals affected with SPRED1-related conditions and no experimental evidence demonstrating its impact on protein function have been reported. ClinVar contains an entry for this variant (Variation ID: 569525). Based on the evidence outlined above, the variant was classified as uncertain significance.

Labcorp Genetics (formerly Invitae), Labcorp
Classification: Uncertain significance for Legius syndrome. Last evaluated: 2025-07-21. Review status: criteria provided, single submitter. Criteria: Invitae Variant Classification Sherloc (09022015). Collection method: clinical testing. Allele origin: germline.
Comment: This sequence change replaces arginine, which is basic and polar, with histidine, which is basic and polar, at codon 428 of the SPRED1 protein (p.Arg428His). This variant is present in population databases (rs369492789, gnomAD 0.006%). This variant has not been reported in the literature in individuals affected with SPRED1-related conditions. ClinVar contains an entry for this variant (Variation ID: 569525). Invitae Evidence Modeling incorporating data from in vitro experimental studies (internal data) indicates that this missense variant is not expected to disrupt SPRED1 function with a negative predictive value of 95%. In summary, the available evidence is currently insufficient to determine the role of this variant in disease. Therefore, it has been classified as a Variant of Uncertain Significance.

CeGaT Center for Human Genetics Tuebingen
Classification: Uncertain significance. Last evaluated: 2025-07-01. Review status: criteria provided, single submitter. Criteria: CeGaT Center For Human Genetics Tuebingen Variant Classification Criteria Version 2. Collection method: clinical testing. Allele origin: germline. Affected: yes. Observed: 1 variant allele.

Ambry Genetics
Classification: Likely benign for Cardiovascular phenotype. Last evaluated: 2025-04-09. Review status: criteria provided, single submitter. Criteria: Ambry Variant Classification Scheme 2023. Collection method: clinical testing. Allele origin: germline.